The following is an entry in ClinVar:

NM_004484.4(GPC3):c.850G>A (p.Gly284Ser)

Gene: GPC3 (glypican 3; minus strand). Cytogenetic location: Xq26.2.
Variant type: single nucleotide variant.
Coding change: c.850G>A on transcript NM_004484.4 (MANE Select); coding-DNA position 850, G replaced by A.
Protein change: p.Gly284Ser; replaces glycine 284 with serine.
Molecular consequence: missense variant.
Genome position (GRCh38, 1-based): chrX:133,753,664, C>T on the plus strand (G>A on the coding strand, the complement: GPC3 is on the minus strand). VCF-style: chrX-133753664-C-T. GRCh37 (hg19) VCF-style: chrX-132887691-C-T.
Other names: c.850G>A, p.Gly284Ser (NM_001164617.2); c.802G>A, p.Gly268Ser (NM_001164618.2); c.688G>A, p.Gly230Ser (NM_001164619.2); short protein forms G268S, G284S, G230S.
Identifiers: ClinVar variation 858906 (VCV000858906.10), dbSNP rs2071692255, ClinGen allele CA414705554.
Genomic context (GRCh38, chrX:133,753,664, plus strand): 5'-CAAGGGACAGAATGTATTCTCTCCAGTACTTGTCAATCTCCACCACACCTGCCATACAGC[C>T]TTGCATGACCACATTGCAGTAACCGCCACAGGGTTTAACCATCATCAGTCCCTGGCAGTA-3'
Protein context (NP_004475.1, residues 274-294): CGGYCNVVMQ[Gly284Ser]CMAGVVEIDK

ClinVar aggregate classification (germline): Uncertain significance (1 of 4 stars; one submission).

Conditions:
Wilms tumor 1 (WT1). Also called: Wilms tumor, somatic. Identifiers: Orphanet 654, MedGen CN033288, MONDO:0008679, OMIM 194070.

Allele frequency attached by ClinVar (database versions not stated): gnomAD exomes below 0.00001.
gnomAD v4.1: 1 of 1,211,564 alleles (0.000083%); highest among the groups gnomAD compares: Non-Finnish European, 0.00011%; no homozygotes.

Submission:

Labcorp Genetics (formerly Invitae), Labcorp
Classification: Uncertain significance for Wilms tumor 1. Last evaluated: 2019-01-29. Review status: criteria provided, single submitter. Criteria: Invitae Variant Classification Sherloc (09022015). Collection method: clinical testing. Allele origin: germline.
Comment: This variant has not been reported in the literature in individuals with GPC3-related conditions. In summary, the available evidence is currently insufficient to determine the role of this variant in disease. Therefore, it has been classified as a Variant of Uncertain Significance. Algorithms developed to predict the effect of sequence changes on RNA splicing suggest that this variant may create or strengthen a splice site, but this prediction has not been confirmed by published transcriptional studies. Algorithms developed to predict the effect of missense changes on protein structure and function are either unavailable or do not agree on the potential impact of this missense change (SIFT: "Tolerated"; PolyPhen-2: "Possibly Damaging"; Align-GVGD: "Class C0"). This variant is not present in population databases (ExAC no frequency). This sequence change replaces glycine with serine at codon 284 of the GPC3 protein (p.Gly284Ser). The glycine residue is highly conserved and there is a small physicochemical difference between glycine and serine.